The following is an entry in ClinVar:

NM_054027.6(ANKH):c.796C>G (p.Leu266Val)

Gene: ANKH (ANKH inorganic pyrophosphate transport regulator; minus strand). Cytogenetic location: 5p15.2.
Variant type: single nucleotide variant.
Coding change: c.796C>G on transcript NM_054027.6 (MANE Select); coding-DNA position 796, C replaced by G.
Protein change: p.Leu266Val; replaces leucine 266 with valine.
Molecular consequence: missense variant.
Genome position (GRCh38, 1-based): chr5:14,749,198, G>C on the plus strand (C>G on the coding strand, the complement: ANKH is on the minus strand). VCF-style: chr5-14749198-G-C. GRCh37 (hg19) VCF-style: chr5-14749307-G-C.
Other names: short protein forms L266V.
Identifiers: ClinVar variation 4806160 (VCV004806160.1).

ClinVar aggregate classification (germline): Uncertain significance (1 of 4 stars; one submission).

Submission:

Labcorp Genetics (formerly Invitae), Labcorp
Classification: Uncertain significance. Last evaluated: 2026-01-22. Review status: criteria provided, single submitter. Criteria: Invitae Variant Classification Sherloc (09022015). Collection method: clinical testing. Allele origin: germline.
Comment: This sequence change replaces leucine, which is neutral and non-polar, with valine, which is neutral and non-polar, at codon 266 of the ANKH protein (p.Leu266Val). This variant is not present in population databases (gnomAD no frequency). This variant has not been reported in the literature in individuals affected with ANKH-related conditions. Invitae Evidence Modeling of protein sequence and biophysical properties (such as structural, functional, and spatial information, amino acid conservation, physicochemical variation, residue mobility, and thermodynamic stability) indicates that this missense variant is not expected to disrupt ANKH protein function with a negative predictive value of 80%. In summary, the available evidence is currently insufficient to determine the role of this variant in disease. Therefore, it has been classified as a Variant of Uncertain Significance.